The following is an entry in ClinVar:

NM_001375524.1(TRRAP):c.2782T>A (p.Phe928Ile)

Gene: TRRAP (transformation/transcription domain associated protein; plus strand). Cytogenetic location: 7q22.1.
Variant type: single nucleotide variant.
Coding change: c.2782T>A on transcript NM_001375524.1 (MANE Select); coding-DNA position 2782, T replaced by A.
Protein change: p.Phe928Ile; replaces phenylalanine 928 with isoleucine.
Molecular consequence: missense variant.
Genome position (GRCh38, 1-based): chr7:98,921,912, T>A. VCF-style: chr7-98921912-T-A. GRCh37 (hg19) VCF-style: chr7-98519535-T-A.
Other names: c.2782T>A, p.Phe928Ile (NM_001244580.2, NM_003496.4); short protein forms F928I.
Identifiers: ClinVar variation 3902949 (VCV003902949.2).

ClinVar aggregate classification (germline): Uncertain significance. Review status: criteria provided, multiple submitters, no conflicts (2 of 4 stars). 2 submissions from 2 submitters: Uncertain significance (2). Last evaluated 2025-09-03.

Conditions:
TRRAP-related disorder. Also called: TRRAP-related condition.

Submissions (2):

PreventionGenetics, part of Exact Sciences
Classification: Uncertain significance for TRRAP-related condition. Last evaluated: 2025-09-03. Review status: criteria provided, single submitter. Criteria: ACMG Guidelines, 2015. Collection method: clinical testing. Allele origin: germline.
Comment: The TRRAP c.2782T>A variant is predicted to result in the amino acid substitution p.Phe928Ile. To our knowledge, this variant has not been reported in the literature or in a large population database (gnomAD), indicating this variant is rare. At this time, the clinical significance of this variant is uncertain due to the absence of conclusive functional and genetic evidence.

GeneDx
Classification: Uncertain significance. Last evaluated: 2024-12-12. Review status: criteria provided, single submitter. Criteria: GeneDx Variant Classification Process June 2021. Collection method: clinical testing. Allele origin: germline. Affected: yes.
Comment: Not observed at significant frequency in large population cohorts (gnomAD); In silico analysis supports that this missense variant has a deleterious effect on protein structure/function; Has not been previously published as pathogenic or benign to our knowledge